The following is an entry in ClinVar:

ClinVar aggregate classification (germline): Uncertain significance (1 of 4 stars; one submission).

Conditions:
Familial cancer of breast. Also called: Hereditary breast cancer; BREAST CANCER, FAMILIAL; hereditary breast carcinoma. Identifiers: Orphanet 227535, MedGen C0346153, MONDO:0016419, OMIM 114480. Disease mechanism: loss of function.

Submission:

Labcorp Genetics (formerly Invitae), Labcorp
Classification: Uncertain significance for Familial cancer of breast. Last evaluated: 2021-11-14. Review status: criteria provided, single submitter. Criteria: Invitae Variant Classification Sherloc (09022015). Collection method: clinical testing. Allele origin: germline.
Comment: Experimental studies and prediction algorithms are not available or were not evaluated, and the effect of this variant on mRNA splicing is currently unknown. This variant has not been reported in the literature in individuals affected with PALB2-related conditions. This sequence change falls in intron 11 of the PALB2 gene. It does not directly change the encoded amino acid sequence of the PALB2 protein. In summary, the available evidence is currently insufficient to determine the role of this variant in disease. Therefore, it has been classified as a Variant of Uncertain Significance.

NC_000016.9:g.(?_23622903)_(23625309_?)del

Gene: PALB2 (partner and localizer of BRCA2; minus strand). Cytogenetic location: 16p12.2.
Variant type: Deletion.
Identifiers: ClinVar variation 2426860 (VCV002426860.3).